The following is an entry in ClinVar:

ClinVar aggregate classification (germline): Pathogenic/Likely pathogenic. Review status: criteria provided, multiple submitters, no conflicts (2 of 4 stars). 2 submissions from 2 submitters: Pathogenic (1); Likely pathogenic (1). Last evaluated 2025-09-02.

Conditions:
Cohen syndrome (COH1). Also called: PEPPER SYNDROME; Cutis verticis gyrata, retinitis pigmentosa, and sensorineural deafness. Identifiers: Orphanet 193, MedGen C0265223, MONDO:0008999, OMIM 216550.

Submissions (2):

Natera, Inc.
Classification: Likely pathogenic for Cohen syndrome. Last evaluated: 2025-09-02. Review status: criteria provided, single submitter. Criteria: Natera Variant Classification Schema (03/2026). Collection method: clinical testing. Allele origin: germline.
Comment: The c.4207del variant in VPS13B is a frameshift variant predicted to shift the reading frame beginning at codon 1403 and leads to a stop codon 6 codons downstream. This variant is expected to result in nonsense mediated decay, truncation, or a dysfunctional protein product. This variant is rare in the general population with a frequency below the threshold expected for the associated phenotype(s). Given the available evidence, this variant is classified as Likely Pathogenic.

Labcorp Genetics (formerly Invitae), Labcorp
Classification: Pathogenic for Cohen syndrome. Last evaluated: 2025-03-16. Review status: criteria provided, single submitter. Criteria: Invitae Variant Classification Sherloc (09022015). Collection method: clinical testing. Allele origin: germline.
Comment: This sequence change creates a premature translational stop signal (p.Ser1403Profs*6) in the VPS13B gene. It is expected to result in an absent or disrupted protein product. Loss-of-function variants in VPS13B are known to be pathogenic (PMID: 15141358, 16648375, 20461111). This variant is present in population databases (no rsID available, gnomAD 0.0009%). This variant has not been reported in the literature in individuals affected with VPS13B-related conditions. ClinVar contains an entry for this variant (Variation ID: 2173088). For these reasons, this variant has been classified as Pathogenic.

Literature cited by the submitters: PubMed 15141358 (cited by Labcorp Genetics (formerly Invitae), Labcorp); PubMed 16648375 (cited by Labcorp Genetics (formerly Invitae), Labcorp); PubMed 20461111 (cited by Labcorp Genetics (formerly Invitae), Labcorp).

NM_017890.5(VPS13B):c.4207del (p.Ser1403fs)

Gene: VPS13B (vacuolar protein sorting 13 homolog B; plus strand). Cytogenetic location: 8q22.2.
Variant type: Deletion.
Coding change: c.4207del on transcript NM_017890.5 (MANE Plus Clinical); coding-DNA position 4207, one base deleted (T; older notation c.4207delT).
Protein change: p.Ser1403fs; shifts the reading frame from serine 1403.
Molecular consequence: frameshift variant. On other transcripts: intron variant (1).
Genome position (GRCh38, 1-based): chr8:99,507,819, T deleted; the last of 3 consecutive T bases (chr8:99,507,817-99,507,819); deleting any one gives the same sequence. VCF-style (leftmost placement, unchanged base first): chr8-99507816-CT-C. GRCh37 (hg19) VCF-style: chr8-100520044-CT-C.
Other names: c.4207del (NM_017890.4); c.4207delT, p.Ser1403Profs (NM_017890.4); c.4224+616del (NM_152564.5); short protein forms S1403fs.
Identifiers: ClinVar variation 2173088 (VCV002173088.5), dbSNP rs1436874013, ClinGen allele CA583875636.